The following is an entry in ClinVar:

ClinVar aggregate classification (germline): Uncertain significance (0 of 4 stars; one submission).

Conditions:
UBE3A-related disorder. Also called: UBE3A-related condition.

Submission:

PreventionGenetics, part of Exact Sciences
Classification: Uncertain significance for UBE3A-related condition. Last evaluated: 2024-02-01. Review status: no assertion criteria provided. Collection method: clinical testing. Allele origin: germline.
Comment: The UBE3A c.1466G>A variant is predicted to result in the amino acid substitution p.Ser489Asn. To our knowledge, this variant has not been reported in the literature or in a large population database, indicating this variant is rare. At this time, the clinical significance of this variant is uncertain due to the absence of conclusive functional and genetic evidence.

NM_130839.5(UBE3A):c.1526G>A (p.Ser509Asn)

Genes: SNHG14 (small nucleolar RNA host gene 14; plus strand), UBE3A (ubiquitin protein ligase E3A; minus strand). Cytogenetic location: 15q11.2.
Variant type: single nucleotide variant.
Coding change: c.1526G>A on transcript NM_130839.5 (MANE Select); coding-DNA position 1526, G replaced by A.
Protein change: p.Ser509Asn; replaces serine 509 with asparagine.
Molecular consequence: missense variant. On other transcripts: non-coding transcript variant (1), intron variant (2).
Genome position (GRCh38, 1-based): chr15:25,370,648, C>T on the plus strand (G>A on the coding strand, the complement: UBE3A is on the minus strand). VCF-style: chr15-25370648-C-T. GRCh37 (hg19) VCF-style: chr15-25615795-C-T.
Other names: c.1535G>A, p.Ser512Asn (NM_000462.5); c.1526G>A, p.Ser509Asn (NM_001354505.1, NM_001354538.2, NM_001354545.2); c.1466G>A, p.Ser489Asn (NM_001354506.2, NM_001354507.2, NM_001354508.2 and 17 more transcripts); c.1349G>A, p.Ser450Asn (NM_001354546.2); c.301+4817G>A (NM_001354551.2); c.361+4817G>A (NM_001354550.2); short protein forms S450N, S489N, S509N, S512N.
Identifiers: ClinVar variation 3030174 (VCV003030174.2), dbSNP rs2552191458, ClinGen allele CA391353393.
Genomic context (GRCh38, chr15:25,370,648, plus strand): 5'-ATATGGTCACGTCTAACTTTGAGTCTCAAATATGGATTCAACTGCTGTCCTTGAACTAAG[C>T]TGTAGAGAACAGTGATTCTTCGTTCACTGTACATGCGAATTCTATTGTCATAATATAATC-3'
Protein context (NP_570854.1, residues 499-519): YSERRITVLY[Ser509Asn]LVQGQQLNPY